The following is an entry in ClinVar:

NM_033109.5(PNPT1):c.1196T>G (p.Phe399Cys)

Gene: PNPT1 (polyribonucleotide nucleotidyltransferase 1; minus strand). Cytogenetic location: 2p16.1.
Variant type: single nucleotide variant.
Coding change: c.1196T>G on transcript NM_033109.5 (MANE Select); coding-DNA position 1196, T replaced by G.
Protein change: p.Phe399Cys; replaces phenylalanine 399 with cysteine.
Molecular consequence: missense variant.
Genome position (GRCh38, 1-based): chr2:55,662,007, A>C on the plus strand (T>G on the coding strand, the complement: PNPT1 is on the minus strand). VCF-style: chr2-55662007-A-C. GRCh37 (hg19) VCF-style: chr2-55889142-A-C.
Other names: short protein forms F399C.
Identifiers: ClinVar variation 2498821 (VCV002498821.28), dbSNP rs572197911, ClinGen allele CA47657393.

ClinVar aggregate classification (germline): Uncertain significance (1 of 4 stars; one submission).

Allele frequency attached by ClinVar (database versions not stated): gnomAD exomes below 0.00001; gnomAD 0.00001; 1000 Genomes Project 30x 0.00016; 1000 Genomes Project 0.00020.
gnomAD v4.1: 3 of 1,579,388 alleles (0.00019%); highest among the groups gnomAD compares: South Asian, 0.0036%; no homozygotes.

Submission:

CeGaT Center for Human Genetics Tuebingen
Classification: Uncertain significance. Last evaluated: 2023-03-01. Review status: criteria provided, single submitter. Criteria: CeGaT Center For Human Genetics Tuebingen Variant Classification Criteria Version 2. Collection method: clinical testing. Allele origin: germline. Affected: yes. Observed: 1 variant allele.
Comment: PNPT1: PM2:Supporting